The following is an entry in ClinVar:

NM_001384900.1(SEMA3D):c.375+5G>A

Gene: SEMA3D (semaphorin 3D; minus strand). Cytogenetic location: 7q21.11.
Variant type: single nucleotide variant.
Coding change: c.375+5G>A on transcript NM_001384900.1 (MANE Select); 5 bases into the intron after coding-DNA position 375, G replaced by A.
Molecular consequence: intron variant.
Genome position (GRCh38, 1-based): chr7:85,081,512, C>T on the plus strand (G>A on the coding strand, the complement: SEMA3D is on the minus strand). VCF-style: chr7-85081512-C-T. GRCh37 (hg19) VCF-style: chr7-84710828-C-T.
Other names: c.375+5G>A (NM_001384901.1, NM_001384903.1, NM_001384902.1 and 1 more transcripts).
Identifiers: ClinVar variation 3346577 (VCV003346577.1).

ClinVar aggregate classification (germline): Uncertain significance (0 of 4 stars; one submission).

Conditions:
SEMA3D-related disorder. Also called: SEMA3D-related condition.

gnomAD v4.1: 2 of 1,591,226 alleles (0.00013%); highest among the groups gnomAD compares: Non-Finnish European, 0.00017%; no homozygotes.

Submission:

PreventionGenetics, part of Exact Sciences
Classification: Uncertain significance for SEMA3D-related condition. Last evaluated: 2024-04-23. Review status: no assertion criteria provided. Collection method: clinical testing. Allele origin: germline.
Comment: The SEMA3D c.375+5G>A variant is predicted to interfere with splicing. This variant is predicted to result in the loss of the canonical splice donor site (SpliceAI, Jaganathan et al. 2019. PubMed ID: 30661751). To our knowledge, this variant has not been reported in the literature or in a large population database, indicating this variant is rare. At this time, the clinical significance of this variant is uncertain due to the absence of conclusive functional and genetic evidence.